The following is an entry in ClinVar:

NM_015378.4(VPS13D):c.1414+5G>A

Gene: VPS13D (vacuolar protein sorting 13 homolog D; plus strand). Cytogenetic location: 1p36.22.
Variant type: single nucleotide variant.
Coding change: c.1414+5G>A on transcript NM_015378.4 (MANE Select); 5 bases into the intron after coding-DNA position 1414, G replaced by A.
Molecular consequence: intron variant.
Genome position (GRCh38, 1-based): chr1:12,261,154, G>A. VCF-style: chr1-12261154-G-A. GRCh37 (hg19) VCF-style: chr1-12321211-G-A.
Other names: c.1414+5G>A (NM_018156.4, NM_015378.2).
Identifiers: ClinVar variation 1321731 (VCV001321731.8), dbSNP rs190463258, ClinGen allele CA601505.
Genomic context (GRCh38, chr1:12,261,154, plus strand): 5'-GGTTGAGGGACTGTCAGCAGAGCAACAGGAGCAGTGGATTCCTGAAGAGATCCTGGGTAC[G>A]GTGGGAGCTGGCCTTCACTTGATTCAAACAAATTCGTCTGTTATTTGTGCAACAGCTTGT-3'

ClinVar aggregate classification (germline): Conflicting classifications of pathogenicity. Review status: criteria provided, conflicting classifications (1 of 4 stars). 3 submissions from 3 submitters: Uncertain significance (2); Likely benign (1). Last evaluated 2025-04-01.

Conditions:
Autosomal recessive cerebellar ataxia-saccadic intrusion syndrome. Also called: VPS13D Movement Disorder; SPINOCEREBELLAR ATAXIA 24. Identifiers: Orphanet 95434, MedGen C1846492, MONDO:0011811, OMIM 607317.

Allele frequency attached by ClinVar (database versions not stated): gnomAD exomes 0.00011 and 0.00032; ExAC 0.00041; TOPMed 0.00097; gnomAD 0.00104 and 0.00110; ESP Exome Variant Server 0.00123; 1000 Genomes Project 30x 0.00125; 1000 Genomes Project 0.00140.
gnomAD v4.1: 322 of 1,614,050 alleles (0.02%); highest among the groups gnomAD compares: African/African-American, 0.31%; no homozygotes.

Submissions (3):

Labcorp Genetics (formerly Invitae), Labcorp
Classification: Likely benign. Last evaluated: 2025-04-01. Review status: criteria provided, single submitter. Criteria: Invitae Variant Classification Sherloc (09022015). Collection method: clinical testing. Allele origin: germline.

GeneDx
Classification: Uncertain significance. Last evaluated: 2023-08-07. Review status: criteria provided, single submitter. Criteria: GeneDx Variant Classification Process June 2021. Collection method: clinical testing. Allele origin: germline. Affected: yes.
Comment: In silico analysis supports that this variant does not alter splicing; Has not been previously published as pathogenic or benign to our knowledge

Baylor Genetics
Classification: Uncertain significance for Autosomal recessive cerebellar ataxia-saccadic intrusion syndrome. Last evaluated: 2021-01-04. Review status: criteria provided, single submitter. Criteria: ACMG Guidelines, 2015. Collection method: clinical testing. Allele origin: unknown.